The following is an entry in ClinVar:

ClinVar aggregate classification (germline): Pathogenic (1 of 4 stars; one submission).

Conditions:
Hereditary cancer-predisposing syndrome. Also called: Neoplastic Syndromes, Hereditary; Tumor predisposition; Hereditary neoplastic syndrome; Hereditary Cancer Syndrome. Identifiers: Orphanet 140162, MedGen C0027672, MeSH D009386, MONDO:0015356.
Cardiovascular phenotype. Identifiers: MedGen CN230736.

Submission:

Ambry Genetics
Classification: Pathogenic for Cardiovascular phenotype; Hereditary cancer-predisposing syndrome. Last evaluated: 2023-12-29. Review status: criteria provided, single submitter. Criteria: Ambry Variant Classification Scheme 2023. Collection method: clinical testing. Allele origin: germline.
Comment: The p.S1140* pathogenic mutation (also known as c.3419C>A), located in coding exon 26 of the NF1 gene, results from a C to A substitution at nucleotide position 3419. This changes the amino acid from a serine to a stop codon within coding exon 26. This alteration has been observed in at least one individual with a personal and/or family history that is consistent with NF1-related disease (Ambry internal data). This variant is considered to be rare based on population cohorts in the Genome Aggregation Database (gnomAD). This alteration is expected to result in loss of function by premature protein truncation or nonsense-mediated mRNA decay. As such, this alteration is interpreted as a disease-causing mutation.

NM_001042492.3(NF1):c.3419C>A (p.Ser1140Ter)

Gene: NF1 (neurofibromin 1; plus strand). Cytogenetic location: 17q11.2.
Variant type: single nucleotide variant.
Coding change: c.3419C>A on transcript NM_001042492.3 (MANE Select); coding-DNA position 3419, C replaced by A.
Protein change: p.Ser1140Ter; replaces serine 1140 with a stop codon.
Molecular consequence: nonsense.
Genome position (GRCh38, 1-based): chr17:31,232,804, C>A. VCF-style: chr17-31232804-C-A. GRCh37 (hg19) VCF-style: chr17-29559822-C-A.
Other names: c.3419C>A, p.Ser1140Ter (NM_000267.4); short protein forms S1140*.
Identifiers: ClinVar variation 3237730 (VCV003237730.1), dbSNP rs2067136565.